The following is an entry in ClinVar:

NM_001130438.3(SPTAN1):c.4388C>A (p.Ala1463Asp)

Gene: SPTAN1 (spectrin alpha, non-erythrocytic 1; plus strand). Cytogenetic location: 9q34.11.
Variant type: single nucleotide variant.
Coding change: c.4388C>A on transcript NM_001130438.3 (MANE Select); coding-DNA position 4388, C replaced by A.
Protein change: p.Ala1463Asp; replaces alanine 1463 with aspartic acid.
Molecular consequence: missense variant.
Genome position (GRCh38, 1-based): chr9:128,608,173, C>A. VCF-style: chr9-128608173-C-A. GRCh37 (hg19) VCF-style: chr9-131370452-C-A.
Other names: c.4328C>A, p.Ala1443Asp (NM_001195532.2, NM_001363765.2, NM_001375314.2); c.4388C>A, p.Ala1463Asp (NM_001363759.2, NM_001375310.1, NM_001375311.2 and 2 more transcripts); c.4424C>A, p.Ala1475Asp (NM_001375312.2, NM_001375318.1); short protein forms A1443D, A1475D, A1463D.
Identifiers: ClinVar variation 2100350 (VCV002100350.4), dbSNP rs2541757027, ClinGen allele CA375066970.
Genomic context (GRCh38, chr9:128,608,173, plus strand): 5'-CCTCTTGCCCTCTTTAGCTGTTCCATCGGGACTGTGAGCAAGCTGAGAACTGGATGGCTG[C>A]CCGGGAGGCCTTCTTGAATACCGAAGACAAAGGAGACTCACTGGACAGCGTAGAGGCTCT-3'
Protein context (NP_001123910.1, residues 1453-1473): DCEQAENWMA[Ala1463Asp]REAFLNTEDK

ClinVar aggregate classification (germline): Uncertain significance (1 of 4 stars; one submission).

Conditions:
Early-infantile DEE. Also called: Early infantile epileptic encephalopathy; Early infantile epileptic encephalopathy with suppression bursts; Ohtahara syndrome. Identifiers: Orphanet 1934, MedGen C0393706, MONDO:0800491.

Submission:

Labcorp Genetics (formerly Invitae), Labcorp
Classification: Uncertain significance for Early-infantile DEE. Last evaluated: 2022-09-13. Review status: criteria provided, single submitter. Criteria: Invitae Variant Classification Sherloc (09022015). Collection method: clinical testing. Allele origin: germline.
Comment: This sequence change replaces alanine, which is neutral and non-polar, with aspartic acid, which is acidic and polar, at codon 1463 of the SPTAN1 protein (p.Ala1463Asp). This variant is not present in population databases (gnomAD no frequency). This variant has not been reported in the literature in individuals affected with SPTAN1-related conditions. Advanced modeling of protein sequence and biophysical properties (such as structural, functional, and spatial information, amino acid conservation, physicochemical variation, residue mobility, and thermodynamic stability) has been performed at Invitae for this missense variant, however the output from this modeling did not meet the statistical confidence thresholds required to predict the impact of this variant on SPTAN1 protein function. In summary, the available evidence is currently insufficient to determine the role of this variant in disease. Therefore, it has been classified as a Variant of Uncertain Significance.